The following is an entry in ClinVar:

ClinVar aggregate classification (germline): Uncertain significance. Review status: criteria provided, multiple submitters, no conflicts (2 of 4 stars). 2 submissions from 2 submitters: Uncertain significance (2). Last evaluated 2025-09-23.

Allele frequency attached by ClinVar (database versions not stated): gnomAD 0.00001; gnomAD exomes 0.00001; TOPMed 0.00003; ExAC 0.00004.

Submissions (2):

Labcorp Genetics (formerly Invitae), Labcorp
Classification: Uncertain significance. Last evaluated: 2025-09-23. Review status: criteria provided, single submitter. Criteria: Invitae Variant Classification Sherloc (09022015). Collection method: clinical testing. Allele origin: germline.
Comment: This sequence change replaces methionine, which is neutral and non-polar, with threonine, which is neutral and polar, at codon 157 of the A2ML1 protein (p.Met157Thr). This variant is present in population databases (rs201422574, gnomAD 0.004%). This variant has not been reported in the literature in individuals affected with A2ML1-related conditions. ClinVar contains an entry for this variant (Variation ID: 1742592). An algorithm developed to predict the effect of missense changes on protein structure and function outputs the following: PolyPhen-2: "Benign". The threonine amino acid residue is found in multiple mammalian species, which suggests that this missense change does not adversely affect protein function. In summary, the available evidence is currently insufficient to determine the role of this variant in disease. Therefore, it has been classified as a Variant of Uncertain Significance.

Ambry Genetics
Classification: Uncertain significance. Last evaluated: 2025-08-12. Review status: criteria provided, single submitter. Criteria: Ambry Variant Classification Scheme 2023. Collection method: clinical testing. Allele origin: germline.
Comment: The p.M157T variant (also known as c.470T>C), located in coding exon 5 of the A2ML1 gene, results from a T to C substitution at nucleotide position 470. The methionine at codon 157 is replaced by threonine, an amino acid with similar properties. This amino acid position is conserved. In addition, this alteration is predicted to be tolerated by in silico analysis. Since supporting evidence is limited at this time, the clinical significance of this alteration remains unclear.

NM_144670.6(A2ML1):c.470T>C (p.Met157Thr)

Gene: A2ML1 (alpha-2-macroglobulin like 1; plus strand). Cytogenetic location: 12p13.31.
Variant type: single nucleotide variant.
Coding change: c.470T>C on transcript NM_144670.6 (MANE Select); coding-DNA position 470, T replaced by C.
Protein change: p.Met157Thr; replaces methionine 157 with threonine.
Molecular consequence: missense variant.
Genome position (GRCh38, 1-based): chr12:8,834,669, T>C. VCF-style: chr12-8834669-T-C. GRCh37 (hg19) VCF-style: chr12-8987265-T-C.
Other names: short protein forms M157T.
Identifiers: ClinVar variation 1742592 (VCV001742592.6), dbSNP rs201422574, ClinGen allele CA6435318.
Genomic context (GRCh38, chr12:8,834,669, plus strand): 5'-TTCTTATTGCTGTCAACCTTCTTTAACCCGCATTATCTGGTTTTCCTTTTCAGTACTCCA[T>C]GGTGGAACTACAGGTAAGCGGAAGTTTCTTTCTCTTCTCTGTCAGTTGTGGAAGAGGAAG-3'
Protein context (NP_653271.3, residues 147-167): NFVPVNDKYS[Met157Thr]VELQDPNSNR